The following is an entry in ClinVar:

ClinVar aggregate classification (germline): Uncertain significance (1 of 4 stars; one submission).

Submission:

GeneDx
Classification: Uncertain significance. Last evaluated: 2025-05-17. Review status: criteria provided, single submitter. Criteria: GeneDx Variant Classification Process June 2021. Collection method: clinical testing. Allele origin: germline. Affected: yes.
Comment: Not observed at significant frequency in large population cohorts (gnomAD); In silico analysis supports that this missense variant has a deleterious effect on protein structure/function; Has not been previously published as pathogenic or benign to our knowledge

NM_016604.4(KDM3B):c.1043C>T (p.Pro348Leu)

Gene: KDM3B (lysine demethylase 3B; plus strand). Cytogenetic location: 5q31.2.
Variant type: single nucleotide variant.
Coding change: c.1043C>T on transcript NM_016604.4 (MANE Select); coding-DNA position 1043, C replaced by T.
Protein change: p.Pro348Leu; replaces proline 348 with leucine.
Molecular consequence: missense variant.
Genome position (GRCh38, 1-based): chr5:138,386,284, C>T. VCF-style: chr5-138386284-C-T. GRCh37 (hg19) VCF-style: chr5-137721973-C-T.
Other names: short protein forms P348L.
Identifiers: ClinVar variation 4529644 (VCV004529644.1).